The following is an entry in ClinVar:

NM_001845.6(COL4A1):c.4005C>T (p.Gly1335=)

Gene: COL4A1 (collagen type IV alpha 1 chain; minus strand). Cytogenetic location: 13q34.
Variant type: single nucleotide variant.
Coding change: c.4005C>T on transcript NM_001845.6 (MANE Select); coding-DNA position 4005, C replaced by T.
Protein change: p.Gly1335=; no amino-acid change (glycine 1335 retained).
Molecular consequence: synonymous variant.
Genome position (GRCh38, 1-based): chr13:110,166,248, G>A on the plus strand (C>T on the coding strand, the complement: COL4A1 is on the minus strand). VCF-style: chr13-110166248-G-A. GRCh37 (hg19) VCF-style: chr13-110818595-G-A.
Other names: p.Gly1335=.
Identifiers: ClinVar variation 311031 (VCV000311031.27), dbSNP rs140722653, ClinGen allele CA7047069.
Genomic context (GRCh38, chr13:110,166,248, plus strand): 5'-ACAAAGCACCAGTAAGGTGTCCACAGATCAACAAACTCTCCTACCTTTAGCTCCCGGGAC[G>A]CCTTGATCGCCTTGATCACCTTTAATTCCCTGGAGGCCAGGAAGACCTTTTGGACCTAAA-3'
Protein context (NP_001836.3, residues 1325-1345): QGIKGDQGDQ[Gly1335=]VPGAKGLPGP

ClinVar aggregate classification (germline): Benign/Likely benign. Review status: criteria provided, multiple submitters, no conflicts (2 of 4 stars). 9 submissions from 8 submitters: Benign (5); Likely benign (2). 2 of the submissions do not count toward it. Last evaluated 2026-02-02.

Conditions:
Brain small vessel disease 1 with or without ocular anomalies (BSVD1). Also called: Brain small vessel disease with or without ocular anomalies; PORENCEPHALY, TYPE 1, AUTOSOMAL DOMINANT; BRAIN SMALL VESSEL DISEASE WITH HEMORRHAGE; GOULD SYNDROME 1. Identifiers: Orphanet 2940, Orphanet 36383, Orphanet 99810, MedGen C4755307, MONDO:0008289, OMIM 175780.
Autosomal dominant familial hematuria-retinal arteriolar tortuosity-contractures syndrome. Also called: Angiopathy, hereditary, with nephropathy, aneurysms, and muscle cramps; Hereditary Angiopathy with Nephropathy, Aneurysms, and Muscle Cramps (HANAC) Syndrome. Identifiers: Orphanet 73229, MedGen C2673195, MONDO:0012726, OMIM 611773.

Allele frequency attached by ClinVar (database versions not stated): gnomAD exomes 0.00192; ExAC 0.00225; 1000 Genomes Project 0.00479; 1000 Genomes Project 30x 0.00531; gnomAD 0.00781 and 0.00856; ESP Exome Variant Server 0.00853; TOPMed 0.00859.
gnomAD v4.1: 2,321 of 1,607,686 alleles (0.14%); highest among the groups gnomAD compares: African/African-American, 2.7%; 26 homozygotes.

Submissions (25):

Labcorp Genetics (formerly Invitae), Labcorp
Classification: Benign. Last evaluated: 2026-02-02. Review status: criteria provided, single submitter. Criteria: Invitae Variant Classification Sherloc (09022015). Collection method: clinical testing. Allele origin: germline.

Mayo Clinic Laboratories, Mayo Clinic
Classification: Benign. Last evaluated: 2025-10-15. Review status: criteria provided, single submitter. Criteria: ACMG Guidelines, 2015. Collection method: clinical testing. Allele origin: germline. Observed: 6 variant alleles.
Comment: BS1, BS2, BP4, BP7

Athena Diagnostics
Classification: Benign. Last evaluated: 2023-11-08. Review status: criteria provided, single submitter. Criteria: Athena Diagnostics Criteria. Collection method: clinical testing. Allele origin: unknown.

GeneDx
Classification: Likely benign. Last evaluated: 2021-06-22. Review status: criteria provided, single submitter. Criteria: GeneDx Variant Classification Process June 2021. Collection method: clinical testing. Allele origin: germline. Affected: yes.

Illumina Laboratory Services, Illumina
Classification: Benign for Autosomal dominant familial hematuria-retinal arteriolar tortuosity-contractures syndrome. Last evaluated: 2018-01-13. Review status: criteria provided, single submitter. Criteria: ICSL Variant Classification Criteria 13 December 2019. Collection method: clinical testing. Allele origin: germline.
Comment: This variant was observed in the ICSL laboratory as part of a predisposition screen in an ostensibly healthy population. It had not been previously curated by ICSL or reported in the Human Gene Mutation Database (HGMD: prior to June 1st, 2018), and was therefore a candidate for classification through an automated scoring system. Utilizing variant allele frequency, disease prevalence and penetrance estimates, and inheritance mode, an automated score was calculated to assess if this variant is too frequent to cause the disease. Based on the score and internal cut-off values, a variant classified as benign is not then subjected to further curation. The score for this variant resulted in a classification of benign for this disease.

Illumina Laboratory Services, Illumina
Classification: Benign for Brain small vessel disease 1 with or without ocular anomalies. Last evaluated: 2018-01-13. Review status: criteria provided, single submitter. Criteria: ICSL Variant Classification Criteria 13 December 2019. Collection method: clinical testing. Allele origin: germline.
Comment: the same text as in the submission from Illumina Laboratory Services, Illumina above.

Breakthrough Genomics
Classification: Likely benign. Review status: criteria provided, single submitter. Criteria: ACMG Guidelines, 2015. Collection method: not provided. Allele origin: germline. Inheritance: Autosomal dominant inheritance. Affected: yes.

Clinical Genetics DNA and cytogenetics Diagnostics Lab, Erasmus MC, Erasmus Medical Center
Classification: Benign. Review status: no assertion criteria provided. Collection method: clinical testing. Allele origin: germline. Affected: yes. Study: VKGL Data-share Consensus. Not counted in ClinVar's aggregate classification.

Dr. Peter K. Rogan Lab, Western University
No classification provided (evidence only). Condition: Clear cell carcinoma of kidney. Review status: no classification provided. Collection method: in vitro. Allele origin: not applicable. Functional consequence: retained intron. Not counted in ClinVar's aggregate classification.

Dr. Peter K. Rogan Lab, Western University
No classification provided (evidence only). Condition: Clear cell carcinoma of kidney. Review status: no classification provided. Collection method: in vitro. Allele origin: not applicable. Functional consequence: retained intron. Not counted in ClinVar's aggregate classification.

Dr. Peter K. Rogan Lab, Western University
No classification provided (evidence only). Condition: Clear cell carcinoma of kidney. Review status: no classification provided. Collection method: in vitro. Allele origin: not applicable. Functional consequence: retained intron. Not counted in ClinVar's aggregate classification.

Dr. Peter K. Rogan Lab, Western University
No classification provided (evidence only). Condition: Clear cell carcinoma of kidney. Review status: no classification provided. Collection method: in vitro. Allele origin: not applicable. Functional consequence: retained intron. Not counted in ClinVar's aggregate classification.

Dr. Peter K. Rogan Lab, Western University
No classification provided (evidence only). Condition: Clear cell carcinoma of kidney. Review status: no classification provided. Collection method: in vitro. Allele origin: not applicable. Functional consequence: retained intron. Not counted in ClinVar's aggregate classification.

Dr. Peter K. Rogan Lab, Western University
No classification provided (evidence only). Condition: Colon adenocarcinoma. Review status: no classification provided. Collection method: in vitro. Allele origin: not applicable. Functional consequence: retained intron. Not counted in ClinVar's aggregate classification.

Dr. Peter K. Rogan Lab, Western University
No classification provided (evidence only). Condition: Thyroid cancer, nonmedullary, 1. Review status: no classification provided. Collection method: in vitro. Allele origin: not applicable. Functional consequence: retained intron. Not counted in ClinVar's aggregate classification.

Dr. Peter K. Rogan Lab, Western University
No classification provided (evidence only). Condition: Uterine corpus endometrial carcinoma. Review status: no classification provided. Collection method: in vitro. Allele origin: not applicable. Functional consequence: retained intron. Not counted in ClinVar's aggregate classification.

Dr. Peter K. Rogan Lab, Western University
No classification provided (evidence only). Condition: Uterine corpus endometrial carcinoma. Review status: no classification provided. Collection method: in vitro. Allele origin: not applicable. Functional consequence: retained intron. Not counted in ClinVar's aggregate classification.

Dr. Peter K. Rogan Lab, Western University
No classification provided (evidence only). Condition: Cervical cancer. Review status: no classification provided. Collection method: in vitro. Allele origin: not applicable. Functional consequence: retained intron. Not counted in ClinVar's aggregate classification.

Dr. Peter K. Rogan Lab, Western University
No classification provided (evidence only). Condition: Sarcoma. Review status: no classification provided. Collection method: in vitro. Allele origin: not applicable. Functional consequence: retained intron. Not counted in ClinVar's aggregate classification.

Dr. Peter K. Rogan Lab, Western University
No classification provided (evidence only). Condition: Hepatocellular carcinoma. Review status: no classification provided. Collection method: in vitro. Allele origin: not applicable. Functional consequence: retained intron. Not counted in ClinVar's aggregate classification.

Dr. Peter K. Rogan Lab, Western University
No classification provided (evidence only). Condition: Hepatocellular carcinoma. Review status: no classification provided. Collection method: in vitro. Allele origin: not applicable. Functional consequence: retained intron. Not counted in ClinVar's aggregate classification.

Dr. Peter K. Rogan Lab, Western University
No classification provided (evidence only). Condition: Ovarian serous cystadenocarcinoma. Review status: no classification provided. Collection method: in vitro. Allele origin: not applicable. Functional consequence: retained intron. Not counted in ClinVar's aggregate classification.

Dr. Peter K. Rogan Lab, Western University
No classification provided (evidence only). Condition: Ovarian serous cystadenocarcinoma. Review status: no classification provided. Collection method: in vitro. Allele origin: not applicable. Functional consequence: retained intron. Not counted in ClinVar's aggregate classification.

Dr. Peter K. Rogan Lab, Western University
No classification provided (evidence only). Condition: Uterine carcinosarcoma. Review status: no classification provided. Collection method: in vitro. Allele origin: not applicable. Functional consequence: retained intron. Not counted in ClinVar's aggregate classification.

Laboratory of Diagnostic Genome Analysis, Leiden University Medical Center (LUMC)
Classification: Likely benign. Review status: no assertion criteria provided. Collection method: clinical testing. Allele origin: germline. Affected: yes. Study: VKGL Data-share Consensus. Not counted in ClinVar's aggregate classification.

Literature cited by the submitters: PubMed 22522439 (cited by Athena Diagnostics).